The following is an entry in ClinVar:

Conditions:
Arteriohepatic dysplasia. Also called: Alagille Syndrome. Identifiers: Orphanet 52, MedGen C0085280, MeSH D016738, MONDO:0007318.

Submission:

Gilbert/Spinner Lab, Children's Hospital of Philadelphia
No classification provided (evidence only). Condition: Alagille syndrome. Review status: no classification provided. Collection method: research. Allele origin: not applicable. Functional consequence: functionally_abnormal.
ClinVar note: "not provided" was previously submitted as the classification for the variant. However, the classification appeared to be based only on an observation of functional data so it was converted to no classification on 2025-07-30.

NM_000214.3(JAG1):c.831T>G (p.Asn277Lys)

Gene: JAG1 (jagged canonical Notch ligand 1; minus strand). Cytogenetic location: 20p12.2.
Variant type: single nucleotide variant.
Coding change: c.831T>G on transcript NM_000214.3 (MANE Select); coding-DNA position 831, T replaced by G.
Protein change: p.Asn277Lys; replaces asparagine 277 with lysine.
Molecular consequence: missense variant.
Genome position (GRCh38, 1-based): chr20:10,652,523, A>C on the plus strand (T>G on the coding strand, the complement: JAG1 is on the minus strand). VCF-style: chr20-10652523-A-C. GRCh37 (hg19) VCF-style: chr20-10633171-A-C.
Other names: short protein forms N277K.
Identifiers: ClinVar variation 3573125 (VCV003573125.2).